The following is an entry in ClinVar:

NM_000206.3(IL2RG):c.545G>C (p.Cys182Ser)

Gene: IL2RG (interleukin 2 receptor subunit gamma; minus strand). Cytogenetic location: Xq13.1.
Variant type: single nucleotide variant.
Coding change: c.545G>C on transcript NM_000206.3 (MANE Select); coding-DNA position 545, G replaced by C.
Protein change: p.Cys182Ser; replaces cysteine 182 with serine.
Molecular consequence: missense variant.
Genome position (GRCh38, 1-based): chrX:71,110,205, C>G on the plus strand (G>C on the coding strand, the complement: IL2RG is on the minus strand). VCF-style: chrX-71110205-C-G. GRCh37 (hg19) VCF-style: chrX-70330055-C-G.
Other names: short protein forms C182S.
Identifiers: ClinVar variation 1471077 (VCV001471077.6), dbSNP rs1064794027, ClinGen allele CA413496306.
Genomic context (GRCh38, chrX:71,110,205, plus strand): 5'-TAGTCACTCACAGTCCAGCTGTGGTCCCAGTCAGTCCGGTACTGCACCAAGTGCTCCAAA[C>G]AGTGGTTCAAGAATCTGTTGTTCCAGTTCAGTTCTAGCTGGGATTCACTCAGTTTGTGAA-3'
Protein context (NP_000197.1, residues 172-192): LNWNNRFLNH[Cys182Ser]LEHLVQYRTD

ClinVar aggregate classification (germline): Likely pathogenic (1 of 4 stars; one submission).

Conditions:
X-linked severe combined immunodeficiency (SCIDX1). Also called: IMMUNODEFICIENCY 4; SCID, X-LINKED; SEVERE COMBINED IMMUNODEFICIENCY, X-LINKED, T CELL-NEGATIVE, B CELL-POSITIVE, NK CELL-NEGATIVE; T-B+ severe combined immunodeficiency due to gamma chain deficiency; X-Linked Combined Immunodeficiency Diseases. Identifiers: Orphanet 276, MedGen C6022468, MONDO:0010315, OMIM 300400. Disease mechanism: loss of function.

Submission:

Labcorp Genetics (formerly Invitae), Labcorp
Classification: Likely pathogenic for X-linked severe combined immunodeficiency. Last evaluated: 2021-11-09. Review status: criteria provided, single submitter. Criteria: Invitae Variant Classification Sherloc (09022015). Collection method: clinical testing. Allele origin: germline.
Comment: This sequence change replaces cysteine, which is neutral and slightly polar, with serine, which is neutral and polar, at codon 182 of the IL2RG protein (p.Cys182Ser). This variant is not present in population databases (gnomAD no frequency). This missense change has been observed in individual(s) with severe combined immunodeficiency (Invitae). Advanced modeling of protein sequence and biophysical properties (such as structural, functional, and spatial information, amino acid conservation, physicochemical variation, residue mobility, and thermodynamic stability) performed at Invitae indicates that this missense variant is expected to disrupt IL2RG protein function. This variant disrupts the p.Cys182 amino acid residue in IL2RG. Other variant(s) that disrupt this residue have been observed in individuals with IL2RG-related conditions (PMID: 10794430, 18728247), which suggests that this may be a clinically significant amino acid residue. In summary, the currently available evidence indicates that the variant is pathogenic, but additional data are needed to prove that conclusively. Therefore, this variant has been classified as Likely Pathogenic.

Literature cited by the submitters: PubMed 10794430; PubMed 18728247.